The following is an entry in ClinVar:

NM_003119.4(SPG7):c.270A>C (p.Arg90Ser)

Gene: SPG7 (SPG7 matrix AAA peptidase subunit, paraplegin; plus strand). Cytogenetic location: 16q24.3.
Variant type: single nucleotide variant.
Coding change: c.270A>C on transcript NM_003119.4 (MANE Select); coding-DNA position 270, A replaced by C.
Protein change: p.Arg90Ser; replaces arginine 90 with serine.
Molecular consequence: missense variant.
Genome position (GRCh38, 1-based): chr16:89,510,576, A>C. VCF-style: chr16-89510576-A-C. GRCh37 (hg19) VCF-style: chr16-89576984-A-C.
Other names: c.270A>C, p.Arg90Ser (NM_001363850.1, NM_199367.3); short protein forms R90S.
Identifiers: ClinVar variation 1948076 (VCV001948076.8), dbSNP rs762017481, ClinGen allele CA8243482.
Genomic context (GRCh38, chr16:89,510,576, plus strand): 5'-TACCTTTGAAGGGATCAACGGATTGTTGTTGAAACAACATTTAGTTCAGAATCCAGTCAG[A>C]CTCTGGCAACTTTTAGGTATGTATCTGTTTAAAGAAGCAGCTGAGCATGACTGCACACTT-3'
Protein context (NP_003110.1, residues 80-100): LKQHLVQNPV[Arg90Ser]LWQLLGGTFY

ClinVar aggregate classification (germline): Uncertain significance. Review status: criteria provided, multiple submitters, no conflicts (2 of 4 stars). 3 submissions from 3 submitters: Uncertain significance (3). Last evaluated 2025-12-30.

Conditions:
Hereditary spastic paraplegia 7 (SPG7). Also called: SPASTIC PARAPLEGIA 7, AUTOSOMAL RECESSIVE, WITH OR WITHOUT CEREBELLAR ATAXIA; Spastic paraplegia 7; Hereditary spastic paraplegia Paraplegin type; SPG7-related neurologic disorder; Autosomal recessive spastic paraplegia type 7. Identifiers: Orphanet 99013, MedGen C1846564, MONDO:0011803, OMIM 607259.
Inborn genetic diseases. Identifiers: MedGen C0950123, MeSH D030342.

Allele frequency attached by ClinVar (database versions not stated): gnomAD exomes below 0.00001; ExAC 0.00001; gnomAD 0.00001.
gnomAD v4.1: 7 of 1,609,006 alleles (0.00044%); highest among the groups gnomAD compares: Non-Finnish European, 0.0006%; no homozygotes.

Submissions (3):

GeneDx
Classification: Uncertain significance. Last evaluated: 2025-12-30. Review status: criteria provided, single submitter. Criteria: GeneDx Variant Classification Process June 2021. Collection method: clinical testing. Allele origin: germline.
Comment: Has not been previously published as pathogenic or benign to our knowledge; Not observed at significant frequency in large population cohorts (gnomAD); In silico analysis supports that this missense variant has a deleterious effect on protein structure/function

Labcorp Genetics (formerly Invitae), Labcorp
Classification: Uncertain significance for Hereditary spastic paraplegia 7. Last evaluated: 2024-09-05. Review status: criteria provided, single submitter. Criteria: Invitae Variant Classification Sherloc (09022015). Collection method: clinical testing. Allele origin: germline.
Comment: This sequence change replaces arginine, which is basic and polar, with serine, which is neutral and polar, at codon 90 of the SPG7 protein (p.Arg90Ser). This variant is present in population databases (rs762017481, gnomAD 0.002%). This variant has not been reported in the literature in individuals affected with SPG7-related conditions. ClinVar contains an entry for this variant (Variation ID: 1948076). An algorithm developed to predict the effect of missense changes on protein structure and function outputs the following: PolyPhen-2: "Benign". The serine amino acid residue is found in multiple mammalian species, which suggests that this missense change does not adversely affect protein function. In summary, the available evidence is currently insufficient to determine the role of this variant in disease. Therefore, it has been classified as a Variant of Uncertain Significance.

Ambry Genetics
Classification: Uncertain significance for Inborn genetic diseases. Last evaluated: 2022-02-10. Review status: criteria provided, single submitter. Criteria: Ambry Variant Classification Scheme 2023. Collection method: clinical testing. Allele origin: germline.